The following is an entry in ClinVar:

NM_001393769.1(MED12L):c.5564C>G (p.Pro1855Arg)

Gene: MED12L (mediator complex subunit 12L; plus strand). Cytogenetic location: 3q25.1.
Variant type: single nucleotide variant.
Coding change: c.5564C>G on transcript NM_001393769.1 (MANE Select); coding-DNA position 5564, C replaced by G.
Protein change: p.Pro1855Arg; replaces proline 1855 with arginine.
Molecular consequence: missense variant.
Genome position (GRCh38, 1-based): chr3:151,390,091, C>G. VCF-style: chr3-151390091-C-G. GRCh37 (hg19) VCF-style: chr3-151107879-C-G.
Other names: c.5459C>G, p.Pro1820Arg (NM_053002.6); short protein forms P1820R, P1855R.
Identifiers: ClinVar variation 4540076 (VCV004540076.1).

ClinVar aggregate classification (germline): Uncertain significance (1 of 4 stars; one submission).

gnomAD v4.1: 1 of 1,614,090 alleles (0.000062%); highest among the groups gnomAD compares: Admixed American, 0.0017%; no homozygotes.

Submission:

GeneDx
Classification: Uncertain significance. Last evaluated: 2025-06-24. Review status: criteria provided, single submitter. Criteria: GeneDx Variant Classification Process June 2021. Collection method: clinical testing. Allele origin: germline. Affected: yes.
Comment: Not observed at significant frequency in large population cohorts (gnomAD); In silico analysis supports that this missense variant has a deleterious effect on protein structure/function; Has not been previously published as pathogenic or benign to our knowledge